The following is an entry in ClinVar:

ClinVar aggregate classification (germline): Uncertain significance (1 of 4 stars; one submission).

Submission:

Labcorp Genetics (formerly Invitae), Labcorp
Classification: Uncertain significance. Last evaluated: 2022-04-08. Review status: criteria provided, single submitter. Criteria: Invitae Variant Classification Sherloc (09022015). Collection method: clinical testing. Allele origin: germline.
Comment: This sequence change replaces aspartic acid, which is acidic and polar, with tyrosine, which is neutral and polar, at codon 622 of the TRIOBP protein (p.Asp622Tyr). This variant is not present in population databases (gnomAD no frequency). This variant has not been reported in the literature in individuals affected with TRIOBP-related conditions. Algorithms developed to predict the effect of missense changes on protein structure and function output the following: SIFT: "Deleterious"; PolyPhen-2: "Possibly Damaging"; Align-GVGD: "Class C0". The tyrosine amino acid residue is found in multiple mammalian species, which suggests that this missense change does not adversely affect protein function. In summary, the available evidence is currently insufficient to determine the role of this variant in disease. Therefore, it has been classified as a Variant of Uncertain Significance.

NM_001039141.3(TRIOBP):c.1864G>T (p.Asp622Tyr)

Gene: TRIOBP (TRIO and F-actin binding protein; plus strand). Cytogenetic location: 22q13.1.
Variant type: single nucleotide variant.
Coding change: c.1864G>T on transcript NM_001039141.3 (MANE Select); coding-DNA position 1864, G replaced by T.
Protein change: p.Asp622Tyr; replaces aspartic acid 622 with tyrosine.
Molecular consequence: missense variant.
Genome position (GRCh38, 1-based): chr22:37,724,420, G>T. VCF-style: chr22-37724420-G-T. GRCh37 (hg19) VCF-style: chr22-38120427-G-T.
Other names: short protein forms D622Y.
Identifiers: ClinVar variation 1347805 (VCV001347805.8), dbSNP rs1924002416, ClinGen allele CA411463162.